The following is an entry in ClinVar:

ClinVar aggregate classification (germline): Uncertain significance. Review status: criteria provided, multiple submitters, no conflicts (2 of 4 stars). 3 submissions from 3 submitters: Uncertain significance (2). 1 of the submissions does not count toward it. Last evaluated 2025-09-19.

Conditions:
SERPING1-related disorder. Also called: SERPING1-related condition.
Inborn genetic diseases. Identifiers: MedGen C0950123, MeSH D030342.

gnomAD v4.1: 104 of 1,614,064 alleles (0.0064%); highest among the groups gnomAD compares: Non-Finnish European, 0.0084%; no homozygotes.

Submissions (3):

Labcorp Genetics (formerly Invitae), Labcorp
Classification: Uncertain significance. Last evaluated: 2025-09-19. Review status: criteria provided, single submitter. Criteria: Invitae Variant Classification Sherloc (09022015). Collection method: clinical testing. Allele origin: germline.
Comment: This sequence change replaces threonine, which is neutral and polar, with arginine, which is basic and polar, at codon 214 of the SERPING1 protein (p.Thr214Arg). This variant is present in population databases (rs61754492, gnomAD 0.01%). This variant has not been reported in the literature in individuals affected with SERPING1-related conditions. ClinVar contains an entry for this variant (Variation ID: 1439026). An algorithm developed to predict the effect of missense changes on protein structure and function outputs the following: PolyPhen-2: "Benign". The arginine amino acid residue is found in multiple mammalian species, which suggests that this missense change does not adversely affect protein function. In summary, the available evidence is currently insufficient to determine the role of this variant in disease. Therefore, it has been classified as a Variant of Uncertain Significance.

Ambry Genetics
Classification: Uncertain significance for Inborn genetic diseases. Last evaluated: 2021-06-22. Review status: criteria provided, single submitter. Criteria: Ambry Variant Classification Scheme 2023. Collection method: clinical testing. Allele origin: germline.
Comment: The p.T214R variant (also known as c.641C>G), located in coding exon 3 of the SERPING1 gene, results from a C to G substitution at nucleotide position 641. The threonine at codon 214 is replaced by arginine, an amino acid with similar properties. This amino acid position is conserved. In addition, this alteration is predicted to be tolerated by in silico analysis. Since supporting evidence is limited at this time, the clinical significance of this alteration remains unclear.

PreventionGenetics, part of Exact Sciences
Classification: Uncertain significance for SERPING1-related condition. Last evaluated: 2024-02-06. Review status: no assertion criteria provided. Collection method: clinical testing. Allele origin: germline. Not counted in ClinVar's aggregate classification.
Comment: The SERPING1 c.641C>G variant is predicted to result in the amino acid substitution p.Thr214Arg. To our knowledge, this variant has not been reported in the literature. This variant is reported in 0.0097% of alleles in individuals of European (Non-Finnish) descent in gnomAD. At this time, the clinical significance of this variant is uncertain due to the absence of conclusive functional and genetic evidence.

NM_000062.3(SERPING1):c.641C>G (p.Thr214Arg)

Gene: SERPING1 (serpin family G member 1; plus strand). Cytogenetic location: 11q12.1.
Variant type: single nucleotide variant.
Coding change: c.641C>G on transcript NM_000062.3 (MANE Select); coding-DNA position 641, C replaced by G.
Protein change: p.Thr214Arg; replaces threonine 214 with arginine.
Molecular consequence: missense variant.
Genome position (GRCh38, 1-based): chr11:57,602,125, C>G. VCF-style: chr11-57602125-C-G. GRCh37 (hg19) VCF-style: chr11-57369598-C-G.
Other names: c.641C>G, p.Thr214Arg (NM_001032295.2); short protein forms T214R.
Identifiers: ClinVar variation 1439026 (VCV001439026.10), dbSNP rs61754492, ClinGen allele CA6008086.